The following is an entry in ClinVar:

ClinVar aggregate classification (germline): Uncertain significance. Review status: criteria provided, multiple submitters, no conflicts (2 of 4 stars). 2 submissions from 2 submitters: Uncertain significance (2). Last evaluated 2024-05-26.

Allele frequency attached by ClinVar (database versions not stated): TOPMed below 0.00001; gnomAD 0.00001; gnomAD exomes 0.00001.
gnomAD v4.1: 5 of 1,613,258 alleles (0.00031%); highest among the groups gnomAD compares: Admixed American, 0.0083%; no homozygotes.

Submissions (2):

Ambry Genetics
Classification: Uncertain significance. Last evaluated: 2024-05-26. Review status: criteria provided, single submitter. Criteria: Ambry Variant Classification Scheme 2023. Collection method: clinical testing. Allele origin: germline.

Labcorp Genetics (formerly Invitae), Labcorp
Classification: Uncertain significance. Last evaluated: 2022-04-14. Review status: criteria provided, single submitter. Criteria: Invitae Variant Classification Sherloc (09022015). Collection method: clinical testing. Allele origin: germline.
Comment: This variant has not been reported in the literature in individuals affected with NUP62-related conditions. In summary, the available evidence is currently insufficient to determine the role of this variant in disease. Therefore, it has been classified as a Variant of Uncertain Significance. Algorithms developed to predict the effect of missense changes on protein structure and function (SIFT, PolyPhen-2, Align-GVGD) all suggest that this variant is likely to be tolerated. This variant is present in population databases (no rsID available, gnomAD 0.009%). This sequence change replaces glutamic acid, which is acidic and polar, with aspartic acid, which is acidic and polar, at codon 392 of the NUP62 protein (p.Glu392Asp).

NM_016553.5(NUP62):c.1176G>C (p.Glu392Asp)

Genes: IL4I1 (interleukin 4 induced 1; minus strand), NUP62 (nucleoporin 62; minus strand). Cytogenetic location: 19q13.33.
Variant type: single nucleotide variant.
Coding change: c.1176G>C on transcript NM_016553.5 (MANE Select); coding-DNA position 1176, G replaced by C.
Protein change: p.Glu392Asp; replaces glutamic acid 392 with aspartic acid.
Molecular consequence: missense variant. On other transcripts: intron variant (3).
Genome position (GRCh38, 1-based): chr19:49,908,632, C>G on the plus strand (G>C on the coding strand, the complement: NUP62 is on the minus strand). VCF-style: chr19-49908632-C-G. GRCh37 (hg19) VCF-style: chr19-50411889-C-G.
Other names: c.1176G>C, p.Glu392Asp (NM_001193357.2, NM_012346.5, NM_153718.4 and 1 more transcripts); c.-227-4311G>C (NM_001258017.2, NM_172374.3); c.-285-4311G>C (NM_001258018.2); short protein forms E392D.
Identifiers: ClinVar variation 1943158 (VCV001943158.5), dbSNP rs993455649, ClinGen allele CA309553389.